The following is an entry in ClinVar:

ClinVar aggregate classification (germline): Uncertain significance. Review status: criteria provided, multiple submitters, no conflicts (2 of 4 stars). 4 submissions from 4 submitters: Uncertain significance (4). Last evaluated 2023-07-19.

Conditions:
Rienhoff syndrome. Also called: LOEYS-DIETZ SYNDROME 5. Identifiers: MedGen C3810012, MONDO:0014262, OMIM 615582.

gnomAD v4.1: 1 of 1,614,242 alleles (0.000062%); highest among the groups gnomAD compares: Non-Finnish European, 0.000085%; no homozygotes.

Submissions (4):

GeneDx
Classification: Uncertain significance. Last evaluated: 2023-07-19. Review status: criteria provided, single submitter. Criteria: GeneDx Variant Classification Process June 2021. Collection method: clinical testing. Allele origin: germline. Affected: yes.
Comment: Not observed at significant frequency in large population cohorts (gnomAD); In silico analysis supports that this missense variant has a deleterious effect on protein structure/function; Has not been previously published as pathogenic or benign to our knowledge

Center for Human Genetics and Genomic Medicine, Uniklinik Rwth Aachen
Classification: Uncertain significance for Rienhoff syndrome. Last evaluated: 2022-10-26. Review status: criteria provided, single submitter. Criteria: ACMG Guidelines, 2015. Collection method: clinical testing. Allele origin: unknown. Inheritance: Autosomal dominant inheritance. Affected: yes. Observed: 1 heterozygote.

Institute for Clinical Genetics, University Hospital TU Dresden, University Hospital TU Dresden
Classification: Uncertain significance. Last evaluated: 2022-03-11. Review status: criteria provided, single submitter. Criteria: ACMG Guidelines, 2015. Collection method: clinical testing. Allele origin: germline.
Comment: PP3, PM2_SUP

Labcorp Genetics (formerly Invitae), Labcorp
Classification: Uncertain significance for Rienhoff syndrome. Last evaluated: 2021-08-12. Review status: criteria provided, single submitter. Criteria: Invitae Variant Classification Sherloc (09022015). Collection method: clinical testing. Allele origin: germline.
Comment: This sequence change replaces proline with leucine at codon 347 of the TGFB3 protein (p.Pro347Leu). The proline residue is highly conserved and there is a moderate physicochemical difference between proline and leucine. In summary, the available evidence is currently insufficient to determine the role of this variant in disease. Therefore, it has been classified as a Variant of Uncertain Significance. Algorithms developed to predict the effect of missense changes on protein structure and function are either unavailable or do not agree on the potential impact of this missense change (SIFT: "Tolerated"; PolyPhen-2: "Probably Damaging"; Align-GVGD: "Class C0"). This variant has not been reported in the literature in individuals affected with TGFB3-related conditions. This variant is not present in population databases (ExAC no frequency).

NM_003239.5(TGFB3):c.1040C>T (p.Pro347Leu)

Gene: TGFB3 (transforming growth factor beta 3; minus strand). Cytogenetic location: 14q24.3.
Variant type: single nucleotide variant.
Coding change: c.1040C>T on transcript NM_003239.5 (MANE Select); coding-DNA position 1040, C replaced by T.
Protein change: p.Pro347Leu; replaces proline 347 with leucine.
Molecular consequence: missense variant.
Genome position (GRCh38, 1-based): chr14:75,960,963, G>A on the plus strand (C>T on the coding strand, the complement: TGFB3 is on the minus strand). VCF-style: chr14-75960963-G-A. GRCh37 (hg19) VCF-style: chr14-76427306-G-A.
Other names: p.(Pro347Leu); c.1040C>T (NM_003239.2); c.1040C>T, p.Pro347Leu (NM_001329939.2); short protein forms P347L.
Identifiers: ClinVar variation 1465026 (VCV001465026.10), dbSNP rs755084678, ClinGen allele CA390467719.